The following is an entry in ClinVar:

ClinVar aggregate classification (germline): Pathogenic/Likely pathogenic. Review status: criteria provided, multiple submitters, no conflicts (2 of 4 stars). 2 submissions from 2 submitters: Pathogenic (1); Likely pathogenic (1). Last evaluated 2024-08-27.

Conditions:
Inborn genetic diseases. Identifiers: MedGen C0950123, MeSH D030342.

Submissions (2):

Ambry Genetics
Classification: Pathogenic for Inborn genetic diseases. Last evaluated: 2024-08-27. Review status: criteria provided, single submitter. Criteria: Ambry Variant Classification Scheme 2023. Collection method: clinical testing. Allele origin: germline.
Comment: The c.527dupG (p.S177Qfs*93) alteration, located in exon 1 (coding exon 1) of the CDK13 gene, consists of a duplication of G at position 527, causing a translational frameshift with a predicted alternate stop codon after 93 amino acids. This alteration is expected to result in loss of function by premature protein truncation or nonsense-mediated mRNA decay. This variant was not reported in population-based cohorts in the Genome Aggregation Database (gnomAD). Based on the available evidence, this alteration is classified as pathogenic.

CeGaT Center for Human Genetics Tuebingen
Classification: Likely pathogenic. Last evaluated: 2024-08-01. Review status: criteria provided, single submitter. Criteria: CeGaT Center For Human Genetics Tuebingen Variant Classification Criteria Version 2. Collection method: clinical testing. Allele origin: germline. Affected: yes. Observed: 1 variant allele.
Comment: CDK13: PVS1:Strong, PM2

NM_003718.5(CDK13):c.527dup (p.Ser177fs)

Gene: CDK13 (cyclin dependent kinase 13; plus strand). Cytogenetic location: 7p14.1.
Variant type: Duplication.
Coding change: c.527dup on transcript NM_003718.5 (MANE Select); coding-DNA position 527, one base duplicated (G; older notation c.527dupG).
Protein change: p.Ser177fs; shifts the reading frame from serine 177.
Molecular consequence: frameshift variant.
Genome position (GRCh38, 1-based): chr7:39,951,168, G duplicated; the last of 6 consecutive G bases (chr7:39,951,163-39,951,168); duplicating any one gives the same sequence. VCF-style (leftmost placement, unchanged base first): chr7-39951162-C-CG. GRCh37 (hg19) VCF-style: chr7-39990761-C-CG.
Other names: c.527dup, p.Ser177Glnfs (NM_031267.4); short protein forms S177fs.
Identifiers: ClinVar variation 3342092 (VCV003342092.17).